The following is an entry in ClinVar:

ClinVar aggregate classification (germline): Benign (1 of 4 stars; one submission).

Submission:

GeneDx
Classification: Benign. Last evaluated: 2014-05-27. Review status: criteria provided, single submitter. Criteria: GeneDx Variant Classification (06012015). Collection method: clinical testing. Allele origin: germline.
Comment: The variant is found in MITONUC-MITOP panel(s).

NM_001083614.2(EARS2):c.15G>C (p.Leu5=)

Gene: EARS2 (glutamyl-tRNA synthetase 2, mitochondrial; minus strand). Cytogenetic location: 16p12.2.
Variant type: single nucleotide variant.
Coding change: c.15G>C on transcript NM_001083614.2 (MANE Select); coding-DNA position 15, G replaced by C.
Protein change: p.Leu5=; no amino-acid change (leucine 5 retained).
Molecular consequence: synonymous variant. On other transcripts: non-coding transcript variant (1).
Genome position (GRCh38, 1-based): chr16:23,557,329, C>G on the plus strand (G>C on the coding strand, the complement: EARS2 is on the minus strand). VCF-style: chr16-23557329-C-G. GRCh37 (hg19) VCF-style: chr16-23568650-C-G.
Other names: c.15G>C, p.Leu5= (NM_001308211.1).
Identifiers: ClinVar variation 137189 (VCV000137189.1), dbSNP rs587780932, ClinGen allele CA290702.